The following is an entry in ClinVar:

NM_138959.3(VANGL1):c.*5995A>T

Gene: VANGL1 (VANGL planar cell polarity protein 1; plus strand). Cytogenetic location: 1p13.1.
Variant type: single nucleotide variant.
Coding change: c.*5995A>T on transcript NM_138959.3 (MANE Select); 5995 bases downstream of the stop codon, A replaced by T.
Molecular consequence: 3 prime UTR variant.
Genome position (GRCh38, 1-based): chr1:115,697,374, A>T. VCF-style: chr1-115697374-A-T. GRCh37 (hg19) VCF-style: chr1-116239995-A-T.
Other names: c.*5995A>T (NM_001172411.2, NM_001172412.2).
Identifiers: ClinVar variation 292101 (VCV000292101.8), dbSNP rs4595366, ClinGen allele CA10607713.
Genomic context (GRCh38, chr1:115,697,374, plus strand): 5'-GAACATTCGCTTACTTTTCATCATCATTCTTTAAAAAGGGAACATACAAAAATCTAAACT[A>T]TGGCAATAATTTATTTTTATAATAGTTTACGGTAGGCTTTAATTAAATGGCAAACTCCTC-3'

ClinVar aggregate classification (germline): Benign/Likely benign. Review status: criteria provided, multiple submitters, no conflicts (2 of 4 stars). 3 submissions from 2 submitters: Benign (2); Likely benign (1). Last evaluated 2018-01-13.

Conditions:
Sacral defect with anterior meningocele. Identifiers: MedGen C1838568, OMIM 600145.
Neural tube defect (NTD). Also called: Neural tube defects. Identifiers: Orphanet 3388, Orphanet 823, MedGen C0027794, MONDO:0018075, HP:0045005.

Allele frequency attached by ClinVar (database versions not stated): gnomAD 0.39755 and 0.39768; TOPMed 0.39989; 1000 Genomes Project 0.42312; 1000 Genomes Project 30x 0.42661.

Submissions (3):

Illumina Laboratory Services, Illumina
Classification: Benign for Neural tube defects, susceptibility to. Last evaluated: 2018-01-13. Review status: criteria provided, single submitter. Criteria: ICSL Variant Classification Criteria 13 December 2019. Collection method: clinical testing. Allele origin: germline.
Comment: This variant was observed in the ICSL laboratory as part of a predisposition screen in an ostensibly healthy population. It had not been previously curated by ICSL or reported in the Human Gene Mutation Database (HGMD: prior to June 1st, 2018), and was therefore a candidate for classification through an automated scoring system. Utilizing variant allele frequency, disease prevalence and penetrance estimates, and inheritance mode, an automated score was calculated to assess if this variant is too frequent to cause the disease. Based on the score and internal cut-off values, a variant classified as benign is not then subjected to further curation. The score for this variant resulted in a classification of benign for this disease.

Illumina Laboratory Services, Illumina
Classification: Benign for Sacral defect with anterior meningocele. Last evaluated: 2018-01-13. Review status: criteria provided, single submitter. Criteria: ICSL Variant Classification Criteria 13 December 2019. Collection method: clinical testing. Allele origin: germline.
Comment: the same text as in the submission from Illumina Laboratory Services, Illumina above.

Breakthrough Genomics
Classification: Likely benign. Review status: criteria provided, single submitter. Criteria: ACMG Guidelines, 2015. Collection method: not provided. Allele origin: germline. Inheritance: Autosomal dominant inheritance. Affected: yes.